The following is an entry in ClinVar:

ClinVar aggregate classification (germline): Uncertain significance (1 of 4 stars; one submission).

Allele frequency attached by ClinVar (database versions not stated): gnomAD exomes 0.00001.
gnomAD v4.1: 19 of 1,613,690 alleles (0.0012%); highest among the groups gnomAD compares: Admixed American, 0.0033%; no homozygotes.

Submission:

Labcorp Genetics (formerly Invitae), Labcorp
Classification: Uncertain significance. Last evaluated: 2025-06-12. Review status: criteria provided, single submitter. Criteria: Invitae Variant Classification Sherloc (09022015). Collection method: clinical testing. Allele origin: germline.
Comment: This sequence change replaces phenylalanine, which is neutral and non-polar, with tyrosine, which is neutral and polar, at codon 593 of the ROBO2 protein (p.Phe593Tyr). This variant is present in population databases (no rsID available, gnomAD 0.006%). This variant has not been reported in the literature in individuals affected with ROBO2-related conditions. ClinVar contains an entry for this variant (Variation ID: 1957486). Invitae Evidence Modeling of protein sequence and biophysical properties (such as structural, functional, and spatial information, amino acid conservation, physicochemical variation, residue mobility, and thermodynamic stability) indicates that this missense variant is not expected to disrupt ROBO2 protein function with a negative predictive value of 95%. In summary, the available evidence is currently insufficient to determine the role of this variant in disease. Therefore, it has been classified as a Variant of Uncertain Significance.

NM_001395656.1(ROBO2):c.1790T>A (p.Phe597Tyr)

Gene: ROBO2 (roundabout guidance receptor 2; plus strand). Cytogenetic location: 3p12.3.
Variant type: single nucleotide variant.
Coding change: c.1790T>A on transcript NM_001395656.1 (MANE Select); coding-DNA position 1790, T replaced by A.
Protein change: p.Phe597Tyr; replaces phenylalanine 597 with tyrosine.
Molecular consequence: missense variant. On other transcripts: 5 prime UTR variant (1).
Genome position (GRCh38, 1-based): chr3:77,565,049, T>A. VCF-style: chr3-77565049-T-A. GRCh37 (hg19) VCF-style: chr3-77614200-T-A.
Other names: c.1826T>A, p.Phe609Tyr (NM_001128929.3); c.1790T>A, p.Phe597Tyr (NM_001290039.2, NM_001290040.2, NM_001378202.1); c.-2T>A (NM_001290065.2); c.1838T>A, p.Phe613Tyr (NM_001378190.1, NM_001378191.1, NM_001378195.1 and 4 more transcripts); c.1859T>A, p.Phe620Tyr (NM_001378192.1, NM_001378194.1, NM_001378198.1 and 2 more transcripts); c.1778T>A, p.Phe593Tyr (NM_001378193.1, NM_001378197.1, NM_002942.5); c.1847T>A, p.Phe616Tyr (NM_001394212.1, NM_001394214.1, NM_001395657.1); short protein forms F593Y, F616Y, F597Y, F613Y, F609Y, F620Y.
Identifiers: ClinVar variation 1957486 (VCV001957486.5), dbSNP rs1289559381, ClinGen allele CA353521354.
Genomic context (GRCh38, chr3:77,565,049, plus strand): 5'-ACCATGTAAAGACCACCCTCTATACTGTAAGAGGACTGCGGCCCAATACAATCTACTTAT[T>A]CATGGTCAGAGCGATCAACCCCCAAGGTCTCAGTGACCCAAGTCCCATGTCAGATCCTGT-3'
Protein context (NP_001382585.1, residues 587-607): RGLRPNTIYL[Phe597Tyr]MVRAINPQGL